The following is an entry in ClinVar:

ClinVar aggregate classification (germline): Uncertain significance (1 of 4 stars; one submission).

Conditions:
Neurofibromatosis, type 1 (NF1). Also called: VON RECKLINGHAUSEN DISEASE; NEUROFIBROMATOSIS, TYPE I, SOMATIC; Peripheral type neurofibromatosis; Neurofibromatosis, type I. Identifiers: Orphanet 636, MedGen C0027831, MONDO:0018975, OMIM 162200. Disease mechanism: loss of function.

Submission:

Labcorp Genetics (formerly Invitae), Labcorp
Classification: Uncertain significance for Neurofibromatosis, type 1. Last evaluated: 2022-07-19. Review status: criteria provided, single submitter. Criteria: Invitae Variant Classification Sherloc (09022015). Collection method: clinical testing. Allele origin: germline.
Comment: In summary, the available evidence is currently insufficient to determine the role of this variant in disease. Therefore, it has been classified as a Variant of Uncertain Significance. Algorithms developed to predict the effect of sequence changes on RNA splicing suggest that this variant may create or strengthen a splice site. Algorithms developed to predict the effect of missense changes on protein structure and function are either unavailable or do not agree on the potential impact of this missense change (SIFT: "Tolerated"; PolyPhen-2: "Probably Damaging"; Align-GVGD: "Class C0"). ClinVar contains an entry for this variant (Variation ID: 950551). This variant has not been reported in the literature in individuals affected with NF1-related conditions. This variant is not present in population databases (gnomAD no frequency). This sequence change replaces lysine, which is basic and polar, with arginine, which is basic and polar, at codon 1940 of the NF1 protein (p.Lys1940Arg).

NM_001042492.3(NF1):c.5882A>G (p.Lys1961Arg)

Gene: NF1 (neurofibromin 1; plus strand). Cytogenetic location: 17q11.2.
Variant type: single nucleotide variant.
Coding change: c.5882A>G on transcript NM_001042492.3 (MANE Select); coding-DNA position 5882, A replaced by G.
Protein change: p.Lys1961Arg; replaces lysine 1961 with arginine.
Molecular consequence: missense variant.
Genome position (GRCh38, 1-based): chr17:31,334,907, A>G. VCF-style: chr17-31334907-A-G. GRCh37 (hg19) VCF-style: chr17-29661925-A-G.
Other names: c.5819A>G, p.Lys1940Arg (NM_000267.4); short protein forms K1940R, K1961R.
Identifiers: ClinVar variation 950551 (VCV000950551.6), dbSNP rs2069603347, ClinGen allele CA399010706.